The following is an entry in ClinVar:

NM_004628.5(XPC):c.780-15C>T

Gene: XPC (XPC complex subunit, DNA damage recognition and repair factor; minus strand). Cytogenetic location: 3p25.1.
Variant type: single nucleotide variant.
Coding change: c.780-15C>T on transcript NM_004628.5 (MANE Select); 15 bases into the intron before coding-DNA position 780, C replaced by T.
Molecular consequence: intron variant.
Genome position (GRCh38, 1-based): chr3:14,164,948, G>A on the plus strand (C>T on the coding strand, the complement: XPC is on the minus strand). VCF-style: chr3-14164948-G-A. GRCh37 (hg19) VCF-style: chr3-14206448-G-A.
Other names: c.762-15C>T (NM_001354729.2); c.201-15C>T (NM_001354726.2); c.780-15C>T (NM_001354730.2, NM_001354727.2).
Identifiers: ClinVar variation 259474 (VCV000259474.16), dbSNP rs3731116, ClinGen allele CA2267595.

ClinVar aggregate classification (germline): Benign/Likely benign. Review status: criteria provided, multiple submitters, no conflicts (2 of 4 stars). 8 submissions from 7 submitters: Benign (6); Likely benign (2). Last evaluated 2026-01-31.

Conditions:
Xeroderma pigmentosum group A (XPA). Also called: XPA-Related Xeroderma Pigmentosum; Xeroderma pigmentosum, complementation group A; XP, group A. Identifiers: Orphanet 910, MedGen C0268135, MONDO:0010210, OMIM 278700.
Xeroderma pigmentosum, group C (XPC). Also called: Xeroderma pigmentosum, complementation group C; XPC-Related Xeroderma Pigmentosum; XERODERMA PIGMENTOSUM III; XP, GROUP C. Identifiers: Orphanet 910, MedGen C2752147, MONDO:0010211, OMIM 278720.

Allele frequency attached by ClinVar (database versions not stated): gnomAD exomes 0.00031 and 0.00082; ExAC 0.00097; gnomAD 0.00318 and 0.00344; TOPMed 0.00360; ESP Exome Variant Server 0.00373; 1000 Genomes Project 0.00379; 1000 Genomes Project 30x 0.00390.
gnomAD v4.1: 957 of 1,603,448 alleles (0.06%); highest among the groups gnomAD compares: African/African-American, 1.1%; 5 homozygotes.

Submissions (8):

Labcorp Genetics (formerly Invitae), Labcorp
Classification: Benign. Last evaluated: 2026-01-31. Review status: criteria provided, single submitter. Criteria: Invitae Variant Classification Sherloc (09022015). Collection method: clinical testing. Allele origin: germline.

KCCC/NGS Laboratory, Kuwait Cancer Control Center
Classification: Benign for Xeroderma pigmentosum, group C. Last evaluated: 2025-02-01. Review status: criteria provided, single submitter. Criteria: ACMG Guidelines, 2015. Collection method: clinical testing. Allele origin: germline. Affected: no.

Blueprint Genetics
Classification: Likely benign. Last evaluated: 2024-11-11. Review status: criteria provided, single submitter. Criteria: ACMG Guidelines, 2015. Collection method: clinical testing. Allele origin: germline.

KCCC/NGS Laboratory, Kuwait Cancer Control Center
Classification: Benign for Xeroderma pigmentosum group A. Last evaluated: 2023-07-07. Review status: criteria provided, single submitter. Criteria: ACMG Guidelines, 2015. Collection method: clinical testing. Allele origin: germline. Affected: yes.

Genome-Nilou Lab
Classification: Benign for Xeroderma pigmentosum, group C. Last evaluated: 2021-12-05. Review status: criteria provided, single submitter. Criteria: ACMG Guidelines, 2015. Collection method: clinical testing. Allele origin: germline. Affected: no.

GeneDx
Classification: Likely benign. Last evaluated: 2019-07-27. Review status: criteria provided, single submitter. Criteria: GeneDx Variant Classification Process June 2021. Collection method: clinical testing. Allele origin: germline. Affected: yes.

Illumina Laboratory Services, Illumina
Classification: Benign for Xeroderma pigmentosum, group C. Last evaluated: 2018-01-13. Review status: criteria provided, single submitter. Criteria: ICSL Variant Classification Criteria 13 December 2019. Collection method: clinical testing. Allele origin: germline.
Comment: This variant was observed in the ICSL laboratory as part of a predisposition screen in an ostensibly healthy population. It had not been previously curated by ICSL or reported in the Human Gene Mutation Database (HGMD: prior to June 1st, 2018), and was therefore a candidate for classification through an automated scoring system. Utilizing variant allele frequency, disease prevalence and penetrance estimates, and inheritance mode, an automated score was calculated to assess if this variant is too frequent to cause the disease. Based on the score and internal cut-off values, a variant classified as benign is not then subjected to further curation. The score for this variant resulted in a classification of benign for this disease.

PreventionGenetics, part of Exact Sciences
Classification: Benign. Review status: criteria provided, single submitter. Criteria: ACMG Guidelines, 2015. Collection method: clinical testing. Allele origin: germline.